The following is an entry in ClinVar:

NM_020457.3(THAP11):c.367CAG[6] (p.Gln129_Gln132del)

Genes: CENPT (centromere protein T; minus strand), THAP11 (THAP domain containing 11; plus strand). Cytogenetic location: 16q22.1.
Variant type: Microsatellite.
Coding change: c.367CAG[6] on transcript NM_020457.3 (MANE Select); six copies in a row of the 3-base unit CAG starting at c.367; the reference has ten copies in a row; four copies, 12 bases deleted.
Protein change: p.Gln129_Gln132del.
Molecular consequence: inframe deletion. On other transcripts: intron variant (1).
Genome position (GRCh38, 1-based): chr16:67,842,939-67,842,950, CAGCAGCAGCAG deleted; deleting any 12 consecutive bases within chr16:67,842,921-67,842,950 gives the same sequence; the position shown is the placement nearest the transcript's 3' end. VCF-style (leftmost placement, unchanged base first): chr16-67842920-ACAGCAGCAGCAG-A. GRCh37 (hg19) VCF-style: chr16-67876823-ACAGCAGCAGCAG-A.
Other names: c.-492+4451CTG[6] (NM_025082.4).
Identifiers: ClinVar variation 1581609 (VCV001581609.10), dbSNP rs377516180, ClinGen allele CA723102457.

ClinVar aggregate classification (germline): Likely benign. Review status: criteria provided, single submitter (1 of 4 stars). 2 submissions from 2 submitters: Likely benign (1). 1 of the submissions does not count toward it. Last evaluated 2025-12-20.

Conditions:
THAP11-related disorder. Also called: THAP11-related condition.

Submissions (2):

Labcorp Genetics (formerly Invitae), Labcorp
Classification: Likely benign. Last evaluated: 2025-12-20. Review status: criteria provided, single submitter. Criteria: Invitae Variant Classification Sherloc (09022015). Collection method: clinical testing. Allele origin: germline.

PreventionGenetics, part of Exact Sciences
Classification: Likely benign for THAP11-related condition. Last evaluated: 2023-04-13. Review status: no assertion criteria provided. Collection method: clinical testing. Allele origin: germline. Not counted in ClinVar's aggregate classification.
Comment: This variant is classified as likely benign based on ACMG/AMP sequence variant interpretation guidelines (Richards et al. 2015 PMID: 25741868, with internal and published modifications).